The following is an entry in ClinVar:

NM_020381.4(PDSS2):c.876+153A>C

Gene: PDSS2 (decaprenyl diphosphate synthase subunit 2; minus strand). Cytogenetic location: 6q21.
Variant type: single nucleotide variant.
Coding change: c.876+153A>C on transcript NM_020381.4 (MANE Select); 153 bases into the intron after coding-DNA position 876, A replaced by C.
Molecular consequence: intron variant.
Genome position (GRCh38, 1-based): chr6:107,211,956, T>G on the plus strand (A>C on the coding strand, the complement: PDSS2 is on the minus strand). VCF-style: chr6-107211956-T-G. GRCh37 (hg19) VCF-style: chr6-107533160-T-G.
Identifiers: ClinVar variation 683453 (VCV000683453.1), dbSNP rs3734678, ClinGen allele CA15437015.

ClinVar aggregate classification (germline): Benign (1 of 4 stars; one submission).

Allele frequency attached by ClinVar (database versions not stated): 1000 Genomes Project 0.15256; 1000 Genomes Project 30x 0.15334; TOPMed 0.16644; gnomAD 0.16932 and 0.17062.
gnomAD v4.1: 25,726 of 152,168 alleles (17%); highest among the groups gnomAD compares: Admixed American, 24%; 2,459 homozygotes.

Submission:

GeneDx
Classification: Benign. Last evaluated: 2018-06-14. Review status: criteria provided, single submitter. Criteria: GeneDx Variant Classification (06012015). Collection method: clinical testing. Allele origin: germline. Affected: yes.
Comment: This variant is considered likely benign or benign based on one or more of the following criteria: it is a conservative change, it occurs at a poorly conserved position in the protein, it is predicted to be benign by multiple in silico algorithms, and/or has population frequency not consistent with disease.